The following is an entry in ClinVar:

ClinVar aggregate classification (germline): Uncertain significance (1 of 4 stars; one submission).

Conditions:
Inborn genetic diseases. Identifiers: MedGen C0950123, MeSH D030342.

gnomAD v4.1: 3 of 1,611,332 alleles (0.00019%); highest among the groups gnomAD compares: South Asian, 0.0022%; no homozygotes.

Submission:

Ambry Genetics
Classification: Uncertain significance for Inborn genetic diseases. Last evaluated: 2025-01-21. Review status: criteria provided, single submitter. Criteria: Ambry Variant Classification Scheme 2023. Collection method: clinical testing. Allele origin: germline.
Comment: The p.L864V variant (also known as c.2590C>G), located in coding exon 27 of the FANCA gene, results from a C to G substitution at nucleotide position 2590. The leucine at codon 864 is replaced by valine, an amino acid with highly similar properties. This amino acid position is conserved. In addition, the in silico prediction for this alteration is inconclusive. Based on the available evidence, the clinical significance of this variant remains unclear.

NM_000135.4(FANCA):c.2590C>G (p.Leu864Val)

Gene: FANCA (FA complementation group A; minus strand). Cytogenetic location: 16q24.3.
Variant type: single nucleotide variant.
Coding change: c.2590C>G on transcript NM_000135.4 (MANE Select); coding-DNA position 2590, C replaced by G.
Protein change: p.Leu864Val; replaces leucine 864 with valine.
Molecular consequence: missense variant.
Genome position (GRCh38, 1-based): chr16:89,767,152, G>C on the plus strand (C>G on the coding strand, the complement: FANCA is on the minus strand). VCF-style: chr16-89767152-G-C. GRCh37 (hg19) VCF-style: chr16-89833560-G-C.
Other names: c.2590C>G, p.Leu864Val (NM_001286167.3); short protein forms L864V.
Identifiers: ClinVar variation 3848135 (VCV003848135.1).